The following is an entry in ClinVar:

NM_001376.5(DYNC1H1):c.10964G>A (p.Arg3655Gln)

Gene: DYNC1H1 (dynein cytoplasmic 1 heavy chain 1; plus strand). Cytogenetic location: 14q32.31.
Variant type: single nucleotide variant.
Coding change: c.10964G>A on transcript NM_001376.5 (MANE Select); coding-DNA position 10964, G replaced by A.
Protein change: p.Arg3655Gln; replaces arginine 3655 with glutamine.
Molecular consequence: missense variant.
Genome position (GRCh38, 1-based): chr14:102,038,515, G>A. VCF-style: chr14-102038515-G-A. GRCh37 (hg19) VCF-style: chr14-102504852-G-A.
Other names: short protein forms R3655Q.
Identifiers: ClinVar variation 1878933 (VCV001878933.2), dbSNP rs2503842579, ClinGen allele CA391031484.

ClinVar aggregate classification (germline): Uncertain significance (1 of 4 stars; one submission).

Submission:

GeneDx
Classification: Uncertain significance. Last evaluated: 2023-12-06. Review status: criteria provided, single submitter. Criteria: GeneDx Variant Classification Process June 2021. Collection method: clinical testing. Allele origin: germline. Affected: yes.
Comment: Not observed at significant frequency in large population cohorts (gnomAD); In silico analysis supports that this missense variant has a deleterious effect on protein structure/function; Has not been previously published as pathogenic or benign to our knowledge; This variant is associated with the following publications: (PMID: 26100331, 25609763, 25512093)